The following is an entry in ClinVar:

NM_015346.4(ZFYVE26):c.3404A>G (p.Gln1135Arg)

Gene: ZFYVE26 (zinc finger FYVE-type containing 26; minus strand). Cytogenetic location: 14q24.1.
Variant type: single nucleotide variant.
Coding change: c.3404A>G on transcript NM_015346.4 (MANE Select); coding-DNA position 3404, A replaced by G.
Protein change: p.Gln1135Arg; replaces glutamine 1135 with arginine.
Molecular consequence: missense variant.
Genome position (GRCh38, 1-based): chr14:67,785,178, T>C on the plus strand (A>G on the coding strand, the complement: ZFYVE26 is on the minus strand). VCF-style: chr14-67785178-T-C. GRCh37 (hg19) VCF-style: chr14-68251895-T-C.
Other names: short protein forms Q1135R.
Identifiers: ClinVar variation 1027977 (VCV001027977.6), dbSNP rs773669036, ClinGen allele CA7239999.

ClinVar aggregate classification (germline): Uncertain significance. Review status: criteria provided, multiple submitters, no conflicts (2 of 4 stars). 5 submissions from 5 submitters: Uncertain significance (5). Last evaluated 2025-08-03.

Conditions:
Hereditary spastic paraplegia 15 (SPG15). Also called: KJELLIN SYNDROME; SPASTIC PARAPLEGIA 15, AUTOSOMAL RECESSIVE; SPASTIC PARAPLEGIA AND RETINAL DEGENERATION. Identifiers: Orphanet 100996, MedGen C1849128, MONDO:0010044, OMIM 270700.
Inborn genetic diseases. Identifiers: MedGen C0950123, MeSH D030342.
Spastic paraplegia. Identifiers: MedGen C0037772, HP:0001258.

Allele frequency attached by ClinVar (database versions not stated): gnomAD exomes 0.00002 and 0.00003; ExAC 0.00003; gnomAD 0.00005 and 0.00006; TOPMed 0.00009.
gnomAD v4.1: 36 of 1,614,206 alleles (0.0022%); highest among the groups gnomAD compares: African/African-American, 0.036%; no homozygotes.

Submissions (5):

Ambry Genetics
Classification: Uncertain significance for Inborn genetic diseases. Last evaluated: 2025-08-03. Review status: criteria provided, single submitter. Criteria: Ambry Variant Classification Scheme 2023. Collection method: clinical testing. Allele origin: germline.

GeneDx
Classification: Uncertain significance. Last evaluated: 2024-11-13. Review status: criteria provided, single submitter. Criteria: GeneDx Variant Classification Process June 2021. Collection method: clinical testing. Allele origin: germline. Affected: yes.
Comment: In silico analysis indicates that this missense variant does not alter protein structure/function; Has not been previously published as pathogenic or benign to our knowledge

Blueprint Genetics
Classification: Uncertain significance. Last evaluated: 2024-03-11. Review status: criteria provided, single submitter. Criteria: ACMG Guidelines, 2015. Collection method: clinical testing. Allele origin: germline.

Labcorp Genetics (formerly Invitae), Labcorp
Classification: Uncertain significance for Spastic paraplegia. Last evaluated: 2022-05-21. Review status: criteria provided, single submitter. Criteria: Invitae Variant Classification Sherloc (09022015). Collection method: clinical testing. Allele origin: germline.
Comment: This sequence change replaces glutamine, which is neutral and polar, with arginine, which is basic and polar, at codon 1135 of the ZFYVE26 protein (p.Gln1135Arg). This variant is present in population databases (rs773669036, gnomAD 0.03%). This variant has not been reported in the literature in individuals affected with ZFYVE26-related conditions. ClinVar contains an entry for this variant (Variation ID: 1027977). Algorithms developed to predict the effect of missense changes on protein structure and function output the following: SIFT: "Tolerated"; PolyPhen-2: "Benign"; Align-GVGD: "Class C0". The arginine amino acid residue is found in multiple mammalian species, which suggests that this missense change does not adversely affect protein function. In summary, the available evidence is currently insufficient to determine the role of this variant in disease. Therefore, it has been classified as a Variant of Uncertain Significance.

Baylor Genetics
Classification: Uncertain significance for Hereditary spastic paraplegia 15. Last evaluated: 2019-04-09. Review status: criteria provided, single submitter. Criteria: ACMG Guidelines, 2015. Collection method: clinical testing. Allele origin: unknown. Affected: yes.
Comment: This variant was determined to be of uncertain significance according to ACMG Guidelines, 2015 [PMID:25741868].